The following is an entry in ClinVar:

NM_001130053.5(EEF1D):c.354C>T (p.Phe118=)

Gene: EEF1D (eukaryotic translation elongation factor 1 delta; minus strand). Cytogenetic location: 8q24.3.
Variant type: single nucleotide variant.
Coding change: c.354C>T on transcript NM_001130053.5 (MANE Select); coding-DNA position 354, C replaced by T.
Protein change: p.Phe118=; no amino-acid change (phenylalanine 118 retained).
Molecular consequence: synonymous variant. On other transcripts: intron variant (8).
Genome position (GRCh38, 1-based): chr8:143,589,728, G>A on the plus strand (C>T on the coding strand, the complement: EEF1D is on the minus strand). VCF-style: chr8-143589728-G-A. GRCh37 (hg19) VCF-style: chr8-144671898-G-A.
Other names: c.354C>T, p.Phe118= (NM_032378.7); c.-4-2879C>T (NM_001317743.4, NM_001289950.4, NM_001130055.4); c.-7-2876C>T (NM_001130056.5, NM_001195203.4, NM_001960.7 and 2 more transcripts).
Identifiers: ClinVar variation 3039155 (VCV003039155.3), dbSNP rs1237552787, ClinGen allele CA463514100.

ClinVar aggregate classification (germline): Likely benign. Review status: criteria provided, single submitter (1 of 4 stars). 2 submissions from 2 submitters: Likely benign (1). 1 of the submissions does not count toward it.

Conditions:
EEF1D-related disorder. Also called: EEF1D-related condition.

Allele frequency attached by ClinVar (database versions not stated): gnomAD 0.00001; gnomAD exomes 0.00001; TOPMed 0.00001.
gnomAD v4.1: 20 of 1,523,554 alleles (0.0013%); highest among the groups gnomAD compares: Non-Finnish European, 0.0017%; no homozygotes.

Submissions (2):

Breakthrough Genomics
Classification: Likely benign. Review status: criteria provided, single submitter. Criteria: ACMG Guidelines, 2015. Collection method: not provided. Allele origin: germline. Inheritance: Unknown mechanism. Affected: yes.

PreventionGenetics, part of Exact Sciences
Classification: Likely benign for EEF1D-related condition. Last evaluated: 2019-05-28. Review status: no assertion criteria provided. Collection method: clinical testing. Allele origin: germline. Not counted in ClinVar's aggregate classification.
Comment: This variant is classified as likely benign based on ACMG/AMP sequence variant interpretation guidelines (Richards et al. 2015 PMID: 25741868, with internal and published modifications).